The following is an entry in ClinVar:

ClinVar aggregate classification (germline): Uncertain significance (1 of 4 stars; one submission).

Conditions:
KMT2A-related disorder. Also called: KMT2A-related condition.

Submission:

PreventionGenetics, part of Exact Sciences
Classification: Uncertain significance for KMT2A-related condition. Last evaluated: 2022-12-30. Review status: criteria provided, single submitter. Criteria: ACMG Guidelines, 2015. Collection method: clinical testing. Allele origin: germline.
Comment: The KMT2A c.1687C>T variant is predicted to result in the amino acid substitution p.Pro563Ser. To our knowledge, this variant has not been reported in the literature or in a large population database, indicating this variant is rare. At this time, the clinical significance of this variant is uncertain due to the absence of conclusive functional and genetic evidence.

NM_001197104.2(KMT2A):c.1687C>T (p.Pro563Ser)

Gene: KMT2A (lysine methyltransferase 2A; plus strand). Cytogenetic location: 11q23.3.
Variant type: single nucleotide variant.
Coding change: c.1687C>T on transcript NM_001197104.2 (MANE Select); coding-DNA position 1687, C replaced by T.
Protein change: p.Pro563Ser; replaces proline 563 with serine.
Molecular consequence: missense variant.
Genome position (GRCh38, 1-based): chr11:118,472,846, C>T. VCF-style: chr11-118472846-C-T. GRCh37 (hg19) VCF-style: chr11-118343561-C-T.
Other names: c.1786C>T, p.Pro596Ser (NM_001412597.1); c.1687C>T, p.Pro563Ser (NM_005933.4); short protein forms P563S, P596S.
Identifiers: ClinVar variation 2634665 (VCV002634665.1), dbSNP rs2496802730, ClinGen allele CA382810691.